The following is an entry in ClinVar:

NM_022552.5(DNMT3A):c.639+8G>A

Gene: DNMT3A (DNA methyltransferase 3 alpha; minus strand). Cytogenetic location: 2p23.3.
Variant type: single nucleotide variant.
Coding change: c.639+8G>A on transcript NM_022552.5 (MANE Select); 8 bases into the intron after coding-DNA position 639, G replaced by A.
Molecular consequence: intron variant.
Genome position (GRCh38, 1-based): chr2:25,274,933, C>T on the plus strand (G>A on the coding strand, the complement: DNMT3A is on the minus strand). VCF-style: chr2-25274933-C-T. GRCh37 (hg19) VCF-style: chr2-25497802-C-T.
Other names: c.639+8G>A (NM_175629.2).
Identifiers: ClinVar variation 4981678 (VCV004981678.1).

ClinVar aggregate classification (germline): Likely benign (1 of 4 stars; one submission).

Conditions:
DNMT3A-related disorder. Also called: DNMT3A-related disorders; DNMT3A-related condition.

gnomAD v4.1: 49 of 1,604,644 alleles (0.0031%); highest among the groups gnomAD compares: Non-Finnish European, 0.0039%; no homozygotes.

Submission:

PreventionGenetics, part of Exact Sciences
Classification: Likely benign for DNMT3A-related condition. Last evaluated: 2026-06-23. Review status: criteria provided, single submitter. Criteria: ACMG Guidelines, 2015. Collection method: clinical testing. Allele origin: germline.
Comment: This variant is classified as likely benign based on ACMG/AMP sequence variant interpretation guidelines (Richards et al. 2015 PMID: 25741868, with internal and published modifications).